The following is an entry in ClinVar:

NM_006206.6(PDGFRA):c.3151_3162dup (p.Ser1054_Ser1055insGluThrGlySer)

Gene: PDGFRA (platelet derived growth factor receptor alpha; plus strand). Cytogenetic location: 4q12.
Variant type: Duplication.
Coding change: c.3151_3162dup on transcript NM_006206.6 (MANE Select); coding-DNA positions 3151 to 3162, 12 bases duplicated (GAGACGGGTTCC).
Protein change: p.Ser1054_Ser1055insGluThrGlySer.
Molecular consequence: inframe insertion. On other transcripts: inframe indel (1).
Genome position (GRCh38, 1-based): chr4:54,295,153-54,295,164, GAGACGGGTTCC duplicated. VCF-style (leftmost placement, unchanged base first): chr4-54295152-T-TGAGACGGGTTCC. GRCh37 (hg19) VCF-style: chr4-55161319-T-TGAGACGGGTTCC.
Other names: c.3226_3237dup, p.Ser1079_Ser1080insGluThrGlySer (NM_001347828.2); c.3151_3162dup, p.Ser1054_Ser1055insGluThrGlySer (NM_001347829.2); c.3190_3201dup, p.Ser1067_Ser1068insGluThrGlySer (NM_001347830.2); c.3151_3162dupGAGACGGGTTCC (NM_006206.4).
Identifiers: ClinVar variation 4665135 (VCV004665135.1).

ClinVar aggregate classification (germline): Uncertain significance (1 of 4 stars; one submission).

Conditions:
Hereditary cancer-predisposing syndrome. Also called: Neoplastic Syndromes, Hereditary; Tumor predisposition; Hereditary Cancer Syndrome; Hereditary neoplastic syndrome. Identifiers: Orphanet 140162, MedGen C0027672, MeSH D009386, MONDO:0015356.

Submission:

Ambry Genetics
Classification: Uncertain significance for Hereditary cancer-predisposing syndrome. Last evaluated: 2025-10-02. Review status: criteria provided, single submitter. Criteria: Ambry Variant Classification Scheme 2023. Collection method: clinical testing. Allele origin: germline.
Comment: The c.3151_3162dup12 variant (also known as p.E1051_S1054dup), located in coding exon 22 of the PDGFRA gene, results from an in-frame duplication of 12 nucleotides at nucleotide positions 3151 to 3162. This results in the duplication of 4 extra residues (ETGS) between codons 1051 and 1054. These amino acid positions are highly conserved in available vertebrate species. In addition, the in silico prediction for this variant is inconclusive (Choi Y et al. PLoS ONE. 2012; 7(10):e46688). Based on the available evidence, the clinical significance of this variant remains unclear.